The following is an entry in ClinVar:

ClinVar aggregate classification (germline): Uncertain significance (1 of 4 stars; one submission).

Submission:

Clinical Genomics Laboratory, Laboratory for Precision Diagnostics, University of Washington
Classification: Uncertain significance. Last evaluated: 2023-06-28. Review status: criteria provided, single submitter. Criteria: ACMG/ClinGen CNV Guidelines, 2019. Collection method: clinical testing. Allele origin: unknown. Affected: yes. Observed: 1 variant allele.
Comment: This interstitial duplication is approximately 670 kb in size and affects 7 protein-coding genes. None of the genes in this region are known to cause medical problems in humans when an extra copy is present (triplosensitivity), and this is not a known triplosensitive genomic region. However, CMA cannot distinguish tandem duplications from an insertion elsewhere in the genome with potential for pathogenic disruption of genes at the insertion site. The telomeric breakpoint of the duplication likely lies within CNKSR2, and the centromeric breakpoint lies within PHEX. It is unknown whether this duplication would disrupt CNKSR2 or PHEX, affect their expression, or form a fusion of these two genes. The classification of this duplication is uncertain, per ACMGG interpretation standards. It affects 7 protein-coding elements but doesn’t overlap any known dosage sensitive genes or regions. A review of public databases (ClinVar, DECIPHER) and the medical literature shows no reports of people with similar duplications. No similar duplications appear in the Database of Genomic Variants (DGV) and gnomAD.

GRCh38/hg38 Xp22.12-22.11(chrX:21426747-22096587)x2

Genes: MBTPS2 (membrane bound transcription factor peptidase, site 2; plus strand), CNKSR2 (connector enhancer of kinase suppressor of Ras 2; plus strand), KLHL34 (kelch like family member 34; minus strand), PHEX (phosphate regulating endopeptidase X-linked; plus strand), SMPX (small muscle protein X-linked; minus strand) and 9 more. Cytogenetic location: Xp22.12-22.11.
Variant type: copy number gain.
Change: copy number 2 of chrX:21,426,747-22,096,587 (669.8 kb, GRCh38 coordinates, 1-based), cytogenetic band Xp22.12-22.11.
Identifiers: ClinVar variation 4890938 (VCV004890938.1).